The following is an entry in ClinVar:

ClinVar aggregate classification (germline): Pathogenic (1 of 4 stars; one submission).

Conditions:
Propionic acidemia (PROP). Also called: GLYCINEMIA, KETOTIC; HYPERGLYCINEMIA WITH KETOACIDOSIS AND LEUKOPENIA; KETOTIC HYPERGLYCINEMIA. Identifiers: Orphanet 35, MedGen C0268579, MONDO:0011628, OMIM 606054, HP:0003571.

Submission:

Labcorp Genetics (formerly Invitae), Labcorp
Classification: Pathogenic for Propionic acidemia. Last evaluated: 2023-04-09. Review status: criteria provided, single submitter. Criteria: Invitae Variant Classification Sherloc (09022015). Collection method: clinical testing. Allele origin: germline.
Comment: This variant is not present in population databases (gnomAD no frequency). This sequence change creates a premature translational stop signal (p.Ser520Argfs*10) in the PCCA gene. It is expected to result in an absent or disrupted protein product. Loss-of-function variants in PCCA are known to be pathogenic (PMID: 15464417). This variant has not been reported in the literature in individuals affected with PCCA-related conditions. For these reasons, this variant has been classified as Pathogenic. Algorithms developed to predict the effect of sequence changes on RNA splicing suggest that this variant may disrupt the consensus splice site.

Literature cited by the submitters: PubMed 15464417.

NM_000282.4(PCCA):c.1558_1559dup (p.Ser520fs)

Gene: PCCA (propionyl-CoA carboxylase subunit alpha; plus strand). Cytogenetic location: 13q32.3.
Variant type: Microsatellite.
Coding change: c.1558_1559dup on transcript NM_000282.4 (MANE Select); coding-DNA positions 1558 to 1559, 2 bases duplicated (AG; older notation c.1558_1559dupAG).
Protein change: p.Ser520fs; shifts the reading frame from serine 520.
Molecular consequence: frameshift variant. On other transcripts: non-coding transcript variant (5).
Genome position (GRCh38, 1-based): chr13:100,340,174-100,340,175, AG duplicated; duplicating any 2 consecutive bases within chr13:100,340,172-100,340,175 gives the same sequence; the c. name uses the placement nearest the transcript's 3' end. VCF-style (leftmost placement, unchanged base first): chr13-100340171-A-AAG. GRCh37 (hg19) VCF-style: chr13-100992425-A-AAG.
Other names: c.1480_1481dup, p.Ser494fs (NM_001127692.3, NM_001352607.2); c.1558_1559dup, p.Ser520fs (NM_001178004.2, NM_001352605.2, NM_001352609.2); c.1414_1415dup, p.Ser472fs (NM_001352606.2); c.1336_1337dup, p.Ser446fs (NM_001352608.2); c.613_614dup, p.Ser205fs (NM_001352610.2, NM_001352611.2); c.469_470dup, p.Ser157fs (NM_001352612.2); short protein forms S446fs, S494fs, S205fs, S157fs, S520fs, S472fs.
Identifiers: ClinVar variation 2731112 (VCV002731112.3), dbSNP rs2548306210, ClinGen allele CA2697551957.